The following is an entry in ClinVar:

NM_000019.4(ACAT1):c.1005+1G>A

Gene: ACAT1 (acetyl-CoA acetyltransferase 1; plus strand). Cytogenetic location: 11q22.3.
Variant type: single nucleotide variant.
Coding change: c.1005+1G>A on transcript NM_000019.4 (MANE Select); the canonical splice donor site of the intron after coding-DNA position 1005, G replaced by A.
Molecular consequence: splice donor variant.
Genome position (GRCh38, 1-based): chr11:108,144,048, G>A. VCF-style: chr11-108144048-G-A. GRCh37 (hg19) VCF-style: chr11-108014775-G-A.
Other names: c.735+1G>A (NM_001386682.1, NM_001386681.1, NM_001386685.1 and 6 more transcripts); c.1005+1G>A (NM_001386677.1); c.708+1G>A (NM_001386679.1); c.690+1G>A (NM_001386678.1).
Identifiers: ClinVar variation 1346698 (VCV001346698.8), dbSNP rs2134780623, ClinGen allele CA382508313.

ClinVar aggregate classification (germline): Likely pathogenic. Review status: criteria provided, multiple submitters, no conflicts (2 of 4 stars). 2 submissions from 2 submitters: Likely pathogenic (2). Last evaluated 2021-10-22.

Conditions:
Deficiency of acetyl-CoA acetyltransferase. Also called: 3-KETOTHIOLASE DEFICIENCY; 3-OXOTHIOLASE DEFICIENCY; Beta-ketothiolase deficiency; MITOCHONDRIAL ACETOACETYL-CoA THIOLASE DEFICIENCY. Identifiers: Orphanet 134, MedGen C1536500, MONDO:0008760, OMIM 203750. Disease mechanism: loss of function.

Submissions (2):

Labcorp Genetics (formerly Invitae), Labcorp
Classification: Likely pathogenic for Deficiency of acetyl-CoA acetyltransferase. Last evaluated: 2021-10-22. Review status: criteria provided, single submitter. Criteria: Invitae Variant Classification Sherloc (09022015). Collection method: clinical testing. Allele origin: germline.
Comment: This sequence change affects a donor splice site in intron 10 of the ACAT1 gene. It is expected to disrupt RNA splicing. Variants that disrupt the donor or acceptor splice site typically lead to a loss of protein function (PMID: 16199547), and loss-of-function variants in ACAT1 are known to be pathogenic (PMID: 7749408). This variant is not present in population databases (ExAC no frequency). This variant has not been reported in the literature in individuals affected with ACAT1-related conditions. Algorithms developed to predict the effect of sequence changes on RNA splicing suggest that this variant may disrupt the consensus splice site. In summary, the currently available evidence indicates that the variant is pathogenic, but additional data are needed to prove that conclusively. Therefore, this variant has been classified as Likely Pathogenic.

Juno Genomics, Hangzhou Juno Genomics, Inc
Classification: Likely pathogenic for Deficiency of acetyl-CoA acetyltransferase. Review status: criteria provided, single submitter. Criteria: ACMG Guidelines, 2015. Collection method: clinical testing. Allele origin: germline.
Comment: Null variant in a gene where loss of function (LOF) is a known mechanism of disease.;Absent from controls (or at extremely low frequency if recessive) in Genome Aggregation Database.

Literature cited by the submitters: PubMed 16199547 (cited by Labcorp Genetics (formerly Invitae), Labcorp); PubMed 7749408 (cited by Labcorp Genetics (formerly Invitae), Labcorp).